The following is an entry in ClinVar:

ClinVar aggregate classification (germline): Conflicting classifications of pathogenicity. Review status: criteria provided, conflicting classifications (1 of 4 stars). 8 submissions from 8 submitters: Likely pathogenic (1); Uncertain significance (6); Likely benign (1). Last evaluated 2025-09-03.

Conditions:
TTN-related disorder. Also called: TTN-related condition; TTN-related disease; TTN-related disorders.
Dilated cardiomyopathy 1G (CMD1G). Identifiers: Orphanet 154, MedGen C1858763, MONDO:0011400, OMIM 604145.
Autosomal recessive limb-girdle muscular dystrophy type 2J (LGMDR10). Also called: Limb-girdle muscular dystrophy, type 2J; MUSCULAR DYSTROPHY, LIMB-GIRDLE, AUTOSOMAL RECESSIVE 10. Identifiers: Orphanet 140922, MedGen C1837342, MONDO:0012127, OMIM 608807.
Cardiovascular phenotype. Identifiers: MedGen CN230736.
Primary dilated cardiomyopathy (DCM). Also called: Dilated Cardiomyopathy. Identifiers: Orphanet 217604, MedGen C0007193, MeSH D002311, MONDO:0005021, HP:0001644. Inheritance: Various modes of inheritance.

Allele frequency attached by ClinVar (database versions not stated): gnomAD below 0.00001 and 0.00001; TOPMed 0.00001; gnomAD exomes 0.00004 and 0.00009; ExAC 0.00010.
gnomAD v4.1: 63 of 1,601,950 alleles (0.0039%); highest among the groups gnomAD compares: South Asian, 0.069%; 1 homozygote.

Submissions (8):

Labcorp Genetics (formerly Invitae), Labcorp
Classification: Uncertain significance for Dilated cardiomyopathy 1G; Autosomal recessive limb-girdle muscular dystrophy type 2J. Last evaluated: 2025-09-03. Review status: criteria provided, single submitter. Criteria: Invitae Variant Classification Sherloc (09022015). Collection method: clinical testing. Allele origin: germline.
Comment: This sequence change affects an acceptor splice site in intron 285 of the TTN gene. It is expected to disrupt RNA splicing and likely results in a truncated or disrupted TTN protein. This variant is present in population databases (rs748369265, gnomAD 0.08%). This variant has not been observed in the literature in individuals with autosomal recessive TTN-related conditions. This variant has been reported in individual(s) with dilated cardiomyopathy (PMID: 25589632, 37652022); however, the role of the variant in this condition is currently unclear. ClinVar contains an entry for this variant (Variation ID: 223284). Algorithms developed to predict the effect of sequence changes on RNA splicing suggest that this variant may disrupt the consensus splice site. This variant is located in the A band of TTN (PMID: 25589632). Variants in this region may be relevant for cardiac or neuromuscular disorders (PMID: 25589632, 23975875). In summary, the available evidence is currently insufficient to determine the role of this variant in disease. Therefore, it has been classified as a Variant of Uncertain Significance.

Revvity Omics, Revvity
Classification: Uncertain significance. Last evaluated: 2025-03-28. Review status: criteria provided, single submitter. Criteria: ACMG Guidelines, 2015. Collection method: clinical testing. Allele origin: germline.

Women's Health and Genetics/Laboratory Corporation of America, LabCorp
Classification: Uncertain significance. Last evaluated: 2024-11-07. Review status: criteria provided, single submitter. Criteria: LabCorp Variant Classification Summary - May 2015. Collection method: clinical testing. Allele origin: germline.
Comment: Variant summary: TTN c.47599-1G>A in intron 234 (also reported as NM_001267550:c.55303-1G>A in intron 285) is located in a canonical splice-site and is predicted to affect mRNA splicing resulting in a significantly altered protein due to either exon skipping, shortening, or inclusion of intronic material. Variants that disrupt the consensus splice site are a relatively common cause of aberrant splicing and loss of TTN function. Several computational tools predict a significant impact on normal splicing: Four predict the variant abolishes a 3' acceptor site. However, these predictions have yet to be confirmed by functional studies. Loss of function variants in all TTN bands are strongly associated with a spectrum of autosomal recessive titinopathies when exon expression (proportion spliced in, PSI, 1=complete expression) in skeletal muscle is >0.1 (PMID: 36977548, 39198997, 29598826, 32778822, 29691892, 33449170, 36977548, internal data). In contrast, loss of function variants in all TTN bands are strongly associated with autosomal dominant TTN-related cardiomyopathies if located in exons constitutively expressed (PSI >0.9) in cardiac muscle, excluding extreme C-terminal exons 359-363 (PMID: 25589632, 31216868, 32964742, 34662387, 27869827, Shetty et al., Nat Cardiovasc Res 2024,, internal data). This variant has a maximum skeletal muscle PSI of 0.939 and a maximum cardiac muscle PSI of 1.0. The variant allele was found at a frequency of 3.9e-05 in 1601950 control chromosomes in the gnomAD database, including 1 homozygote. This frequency is not significantly higher than estimated for a pathogenic variant in TTN causing Autosomal Recessive Titinopathy, allowing no conclusion about variant significance. However, the presence of a homozygote in gnomAD is not consistent with the early onset severe disease caused by biallelic null genotypes in TTN, suggesting this variant may not result in loss of the allele. c.47599-1G>A has been reported in the presumed heterozygous state in the literature in at least 1 individual affected with TTN-related cardiomyopathy (example, McGurk_2023, Roberts_2015). These report(s) do not provide unequivocal conclusions about association of the variant with TTN-related conditions. To our knowledge, no experimental evidence demonstrating an impact on protein function has been reported. The following publications have been ascertained in the context of this evaluation (PMID: 37652022, 25589632). ClinVar contains an entry for this variant (Variation ID: 223284). Based on the evidence outlined above, the variant was classified as VUS-possibly pathogenic for both autosomal dominant and autosomal recessive TTN-related conditions.

PreventionGenetics, part of Exact Sciences
Classification: Uncertain significance for TTN-related condition. Last evaluated: 2023-06-27. Review status: criteria provided, single submitter. Criteria: ACMG Guidelines, 2015. Collection method: clinical testing. Allele origin: germline.
Comment: The TTN c.55303-1G>A variant is predicted to disrupt the AG splice acceptor site and interfere with normal splicing. The variant has been reported in a single patient with DCM (Roberts et al 2015. PubMed ID: 25589632). In addition, it was reported in 1 case and 6 controls from the UK biobank project (Reported as 2:178601788:C:T in Supp. Table 6, Jurgens SJ et al 2022. PubMed ID: 35177841). The c.55303-1G>A variant is located in the A-band region of the protein in which truncating TTN variants have been found more frequently in dilated cardiomyopathy patients than in controls (Herman et al. 2012. PubMed ID: 22335739). RNAseq studies from heart tissue indicate this exon is commonly included in TTN mRNA transcripts (PSI of 100%, Roberts A.M. et al. 2015. PMID: 25589632). However, this variant is reported in 0.079% of alleles in individuals of South Asian descent in gnomAD, including 1 homozygote. Although we suspect this variant could contribute to TTN-related disorders, at this time, the clinical significance of this variant is uncertain due to the absence of conclusive functional and genetic evidence.

Blueprint Genetics
Classification: Uncertain significance. Last evaluated: 2022-03-09. Review status: criteria provided, single submitter. Criteria: ACMG Guidelines, 2015. Collection method: clinical testing. Allele origin: germline.

Ambry Genetics
Classification: Likely benign for Cardiovascular phenotype. Last evaluated: 2020-09-03. Review status: criteria provided, single submitter. Criteria: Ambry Variant Classification Scheme 2023. Collection method: clinical testing. Allele origin: germline.

GeneDx
Classification: Uncertain significance. Last evaluated: 2019-04-05. Review status: criteria provided, single submitter. Criteria: GeneDx Variant Classification Process June 2021. Collection method: clinical testing. Allele origin: germline. Affected: yes.
Comment: Reported as a variant of uncertain significance in a patient with dilated cardiomyopathy, however, variant was also observed in healthy individuals in large population cohorts (Akinrinade et al., 2016); Observed in a patient with dilated cardiomyopathy, however, additional clinical information and segregation analysis was not provided (Roberts et al., 2015); Canonical splice site variant in a gene for which loss-of-function is a known mechanism of disease; Located in the A-band of the titin protein, where the majority of pathogenic truncating variants have been reported; This variant is associated with the following publications: (PMID: 26777568, 25589632)

Cardiovascular Biomedical Research Unit, Royal Brompton & Harefield NHS Foundation Trust
Classification: Likely pathogenic for Primary dilated cardiomyopathy. Last evaluated: 2014-10-08. Review status: criteria provided, single submitter. Criteria: Roberts et al. 2015. Collection method: research. Allele origin: germline. Inheritance: Autosomal dominant inheritance. Affected: yes. Observed: 1 variant allele. Study: Unselected DCM.
Comment: In the seven cohorts assessed, TTNtv were found in 14% of ambulant DCM, 22% end-stage or familial DCM, and 2% controls. Heterozygous nonsense, frameshift and canonical splice-disrupting variants found in constitutive and other highly utilised exons are highly likely to be pathogenic when identified in individuals with phenotypically confirmed DCM. TTNtv found incidentally in healthy individuals (excluding familial assessment of DCM relatives) are thought to have low penetrance, particularly when identified in exons that are not constitutively expressed in the heart.

Literature cited by the submitters: PubMed 25589632 (cited by 3 submitters); PubMed 37652022 (cited by Labcorp Genetics (formerly Invitae), Labcorp and Women's Health and Genetics/Laboratory Corporation of America, LabCorp); PubMed 23975875 (cited by Labcorp Genetics (formerly Invitae), Labcorp); PubMed 26777568 (cited by Ambry Genetics).

NM_001267550.2(TTN):c.55303-1G>A

Genes: TTN (titin; minus strand), TTN-AS1 (TTN antisense RNA 1; plus strand). Cytogenetic location: 2q31.2.
Variant type: single nucleotide variant.
Coding change: c.55303-1G>A on transcript NM_001267550.2 (MANE Select); the canonical splice acceptor site of the intron before coding-DNA position 55303, G replaced by A.
Molecular consequence: splice acceptor variant.
Genome position (GRCh38, 1-based): chr2:178,601,788, C>T on the plus strand (G>A on the coding strand, the complement: TTN is on the minus strand). VCF-style: chr2-178601788-C-T. GRCh37 (hg19) VCF-style: chr2-179466515-C-T.
Other names: c.55303-1G>A (LRG_391t1); c.28108-1G>A (NM_003319.4); c.28684-1G>A (NM_133437.4); c.28483-1G>A (NM_133432.3); c.47599-1G>A (NM_133378.4); c.50380-1G>A (NM_001256850.1).
Identifiers: ClinVar variation 223284 (VCV000223284.17), dbSNP rs748369265, ClinGen allele CA089784.